The following is an entry in ClinVar:

NM_182914.3(SYNE2):c.10990T>A (p.Cys3664Ser)

Gene: SYNE2 (spectrin repeat containing nuclear envelope protein 2; plus strand). Cytogenetic location: 14q23.2.
Variant type: single nucleotide variant.
Coding change: c.10990T>A on transcript NM_182914.3 (MANE Select); coding-DNA position 10990, T replaced by A.
Protein change: p.Cys3664Ser; replaces cysteine 3664 with serine.
Molecular consequence: missense variant.
Genome position (GRCh38, 1-based): chr14:64,076,068, T>A. VCF-style: chr14-64076068-T-A. GRCh37 (hg19) VCF-style: chr14-64542786-T-A.
Other names: c.10990T>A, p.Cys3664Ser (NM_015180.6); short protein forms C3664S.
Identifiers: ClinVar variation 1403050 (VCV001403050.8), dbSNP rs372299859, ClinGen allele CA389938730.

ClinVar aggregate classification (germline): Uncertain significance. Review status: criteria provided, multiple submitters, no conflicts (2 of 4 stars). 2 submissions from 2 submitters: Uncertain significance (2). Last evaluated 2026-04-17.

Conditions:
Emery-Dreifuss muscular dystrophy 5, autosomal dominant (EDMD5). Also called: EMERY-DREIFUSS MUSCULAR DYSTROPHY 5. Identifiers: Orphanet 261, MedGen C2751805, MONDO:0013072, OMIM 612999.

Submissions (2):

Dasa
Classification: Uncertain significance. Last evaluated: 2026-04-17. Review status: criteria provided, single submitter. Criteria: DASA Assertion Criteria. Collection method: clinical testing. Allele origin: germline.
Comment: NM_182914.3(SYNE2):c.10990T>A (p.Cys3664Ser) is a missense variant that results in the substitution of cysteine with serine. This variant is rare in population databases. The currently available literature and clinical evidence are not sufficient to establish a definitive association between this variant and the reported condition. Therefore, this variant is classified as a variant of uncertain significance.

Labcorp Genetics (formerly Invitae), Labcorp
Classification: Uncertain significance for Emery-Dreifuss muscular dystrophy 5, autosomal dominant. Last evaluated: 2021-08-05. Review status: criteria provided, single submitter. Criteria: Invitae Variant Classification Sherloc (09022015). Collection method: clinical testing. Allele origin: germline.
Comment: This sequence change replaces cysteine with serine at codon 3664 of the SYNE2 protein (p.Cys3664Ser). The cysteine residue is weakly conserved and there is a moderate physicochemical difference between cysteine and serine. This variant is not present in population databases (ExAC no frequency). This variant has not been reported in the literature in individuals affected with SYNE2-related conditions. Algorithms developed to predict the effect of missense changes on protein structure and function are either unavailable or do not agree on the potential impact of this missense change (SIFT: "Tolerated"; PolyPhen-2: "Probably Damaging"; Align-GVGD: "Class C0"). In summary, the available evidence is currently insufficient to determine the role of this variant in disease. Therefore, it has been classified as a Variant of Uncertain Significance.